The following is an entry in ClinVar:

NM_016123.4(IRAK4):c.737T>A (p.Val246Glu)

Gene: IRAK4 (interleukin 1 receptor associated kinase 4; plus strand). Cytogenetic location: 12q12.
Variant type: single nucleotide variant.
Coding change: c.737T>A on transcript NM_016123.4 (MANE Select); coding-DNA position 737, T replaced by A.
Protein change: p.Val246Glu; replaces valine 246 with glutamic acid.
Molecular consequence: missense variant.
Genome position (GRCh38, 1-based): chr12:43,777,650, T>A. VCF-style: chr12-43777650-T-A. GRCh37 (hg19) VCF-style: chr12-44171453-T-A.
Other names: c.737T>A, p.Val246Glu (NM_001114182.3, NM_001351345.2); c.365T>A, p.Val122Glu (NM_001145256.2, NM_001145257.2, NM_001145258.2 and 5 more transcripts); c.128T>A, p.Val43Glu (NM_001351343.2, NM_001351344.2); short protein forms V122E, V246E, V43E.
Identifiers: ClinVar variation 2135549 (VCV002135549.4), dbSNP rs2540458628, ClinGen allele CA384474211.

ClinVar aggregate classification (germline): Uncertain significance (1 of 4 stars; one submission).

Conditions:
Immunodeficiency 67. Also called: Immunodeficiency due to interleukin-1 receptor-associated kinase-4 deficiency. Identifiers: Orphanet 70592, MedGen C1843256, MONDO:0011888, OMIM 607676.

Submission:

Labcorp Genetics (formerly Invitae), Labcorp
Classification: Uncertain significance for Immunodeficiency 67. Last evaluated: 2022-10-17. Review status: criteria provided, single submitter. Criteria: Invitae Variant Classification Sherloc (09022015). Collection method: clinical testing. Allele origin: germline.
Comment: In summary, the available evidence is currently insufficient to determine the role of this variant in disease. Therefore, it has been classified as a Variant of Uncertain Significance. Algorithms developed to predict the effect of sequence changes on RNA splicing suggest that this variant may create or strengthen a splice site. Advanced modeling of protein sequence and biophysical properties (such as structural, functional, and spatial information, amino acid conservation, physicochemical variation, residue mobility, and thermodynamic stability) performed at Invitae indicates that this missense variant is expected to disrupt IRAK4 protein function. This variant has not been reported in the literature in individuals affected with IRAK4-related conditions. This variant is not present in population databases (gnomAD no frequency). This sequence change replaces valine, which is neutral and non-polar, with glutamic acid, which is acidic and polar, at codon 246 of the IRAK4 protein (p.Val246Glu).